The following is an entry in ClinVar:

NM_015021.3(ZNF292):c.5030G>T (p.Cys1677Phe)

Gene: ZNF292 (zinc finger protein 292; plus strand). Cytogenetic location: 6q14.3.
Variant type: single nucleotide variant.
Coding change: c.5030G>T on transcript NM_015021.3 (MANE Select); coding-DNA position 5030, G replaced by T.
Protein change: p.Cys1677Phe; replaces cysteine 1677 with phenylalanine.
Molecular consequence: missense variant.
Genome position (GRCh38, 1-based): chr6:87,258,659, G>T. VCF-style: chr6-87258659-G-T. GRCh37 (hg19) VCF-style: chr6-87968377-G-T.
Other names: c.4610G>T, p.Cys1537Phe (NM_001351444.2); short protein forms C1537F, C1677F.
Identifiers: ClinVar variation 3776393 (VCV003776393.1).

ClinVar aggregate classification (germline): Uncertain significance (1 of 4 stars; one submission).

gnomAD v4.1: 1 of 1,613,502 alleles (0.000062%); highest among the groups gnomAD compares: Non-Finnish European, 0.000085%; no homozygotes.

Submission:

GeneDx
Classification: Uncertain significance. Last evaluated: 2024-10-02. Review status: criteria provided, single submitter. Criteria: GeneDx Variant Classification Process June 2021. Collection method: clinical testing. Allele origin: germline. Affected: yes.
Comment: Not observed at significant frequency in large population cohorts (gnomAD); In silico analysis indicates that this missense variant does not alter protein structure/function; Has not been previously published as pathogenic or benign to our knowledge